The following is an entry in ClinVar:

NM_024753.5(TTC21B):c.3448G>A (p.Ala1150Thr)

Gene: TTC21B (tetratricopeptide repeat domain 21B; minus strand). Cytogenetic location: 2q24.3.
Variant type: single nucleotide variant.
Coding change: c.3448G>A on transcript NM_024753.5 (MANE Select); coding-DNA position 3448, G replaced by A.
Protein change: p.Ala1150Thr; replaces alanine 1150 with threonine.
Molecular consequence: missense variant.
Genome position (GRCh38, 1-based): chr2:165,888,290, C>T on the plus strand (G>A on the coding strand, the complement: TTC21B is on the minus strand). VCF-style: chr2-165888290-C-T. GRCh37 (hg19) VCF-style: chr2-166744800-C-T.
Other names: short protein forms A1150T.
Identifiers: ClinVar variation 2037967 (VCV002037967.4), dbSNP rs2468117995, ClinGen allele CA349047398.
Genomic context (GRCh38, chr2:165,888,290, plus strand): 5'-ACTACCAAATAAAGATACCACATGAAGCTGAAAAAGGAAATCCACTAACCTCAGATGCTG[C>T]TATTTCAGTGAAGGTATTTAATGCTTGTTCAACATTAGATTTCTGTTTGGTAGCCATTAA-3'
Protein context (NP_079029.3, residues 1140-1160): EQALNTFTEI[Ala1150Thr]ASEKEHIPAL

ClinVar aggregate classification (germline): Uncertain significance (1 of 4 stars; one submission).

Conditions:
Nephronophthisis. Also called: Juvenile Nephronophthisis. Identifiers: Orphanet 655, MedGen C0687120, MONDO:0019005, HP:0000090.
Jeune thoracic dystrophy. Also called: Short-rib thoracic dysplasia; Jeune syndrome; Infantile thoracic dystrophy; Thoracic pelvic phalangeal dystrophy; Jeune's syndrome; Chondroectodermal dysplasia-like syndrome. Identifiers: Orphanet 474, MedGen C0265275, MONDO:0018770.

Submission:

Labcorp Genetics (formerly Invitae), Labcorp
Classification: Uncertain significance for Jeune thoracic dystrophy; Nephronophthisis. Last evaluated: 2022-08-22. Review status: criteria provided, single submitter. Criteria: Invitae Variant Classification Sherloc (09022015). Collection method: clinical testing. Allele origin: germline.
Comment: In summary, the available evidence is currently insufficient to determine the role of this variant in disease. Therefore, it has been classified as a Variant of Uncertain Significance. Algorithms developed to predict the effect of missense changes on protein structure and function are either unavailable or do not agree on the potential impact of this missense change (SIFT: "Deleterious"; PolyPhen-2: "Benign"; Align-GVGD: "Class C0"). This variant has not been reported in the literature in individuals affected with TTC21B-related conditions. This variant is not present in population databases (gnomAD no frequency). This sequence change replaces alanine, which is neutral and non-polar, with threonine, which is neutral and polar, at codon 1150 of the TTC21B protein (p.Ala1150Thr).